The following is an entry in ClinVar:

NM_015909.4(NBAS):c.3941A>G (p.Lys1314Arg)

Gene: NBAS (NBAS subunit of NRZ tethering complex; minus strand). Cytogenetic location: 2p24.3.
Variant type: single nucleotide variant.
Coding change: c.3941A>G on transcript NM_015909.4 (MANE Select); coding-DNA position 3941, A replaced by G.
Protein change: p.Lys1314Arg; replaces lysine 1314 with arginine.
Molecular consequence: missense variant. On other transcripts: non-coding transcript variant (1).
Genome position (GRCh38, 1-based): chr2:15,353,701, T>C on the plus strand (A>G on the coding strand, the complement: NBAS is on the minus strand). VCF-style: chr2-15353701-T-C. GRCh37 (hg19) VCF-style: chr2-15493825-T-C.
Other names: short protein forms K1314R.
Identifiers: ClinVar variation 1063853 (VCV001063853.6), dbSNP rs762484531, ClinGen allele CA1535831.

ClinVar aggregate classification (germline): Uncertain significance (1 of 4 stars; one submission).

Allele frequency attached by ClinVar (database versions not stated): TOPMed 0.00001; gnomAD exomes below 0.00001; ExAC 0.00001.
gnomAD v4.1: 8 of 1,613,940 alleles (0.0005%); highest among the groups gnomAD compares: Non-Finnish European, 0.00068%; no homozygotes.

Submission:

Labcorp Genetics (formerly Invitae), Labcorp
Classification: Uncertain significance. Last evaluated: 2021-08-20. Review status: criteria provided, single submitter. Criteria: Invitae Variant Classification Sherloc (09022015). Collection method: clinical testing. Allele origin: germline.
Comment: This sequence change replaces lysine with arginine at codon 1314 of the NBAS protein (p.Lys1314Arg). The lysine residue is highly conserved and there is a small physicochemical difference between lysine and arginine. This variant is present in population databases (rs762484531, ExAC 0.002%). This variant has not been reported in the literature in individuals affected with NBAS-related conditions. Algorithms developed to predict the effect of missense changes on protein structure and function are either unavailable or do not agree on the potential impact of this missense change (SIFT: "Deleterious"; PolyPhen-2: "Benign"; Align-GVGD: "Class C25"). In summary, the available evidence is currently insufficient to determine the role of this variant in disease. Therefore, it has been classified as a Variant of Uncertain Significance.